The following is an entry in ClinVar:

ClinVar aggregate classification (germline): Uncertain significance. Review status: criteria provided, multiple submitters, no conflicts (2 of 4 stars). 2 submissions from 2 submitters: Uncertain significance (2). Last evaluated 2024-09-28.

Conditions:
Inborn genetic diseases. Identifiers: MedGen C0950123, MeSH D030342.

Allele frequency attached by ClinVar (database versions not stated): gnomAD exomes below 0.00001; TOPMed below 0.00001.
gnomAD v4.1: 2 of 1,614,112 alleles (0.00012%); highest among the groups gnomAD compares: Admixed American, 0.0033%; no homozygotes.

Submissions (2):

Labcorp Genetics (formerly Invitae), Labcorp
Classification: Uncertain significance. Last evaluated: 2024-09-28. Review status: criteria provided, single submitter. Criteria: Invitae Variant Classification Sherloc (09022015). Collection method: clinical testing. Allele origin: germline.
Comment: This sequence change replaces valine, which is neutral and non-polar, with alanine, which is neutral and non-polar, at codon 223 of the CSF1R protein (p.Val223Ala). This variant is present in population databases (no rsID available, gnomAD 0.006%). This variant has not been reported in the literature in individuals affected with CSF1R-related conditions. ClinVar contains an entry for this variant (Variation ID: 2230219). Invitae Evidence Modeling of protein sequence and biophysical properties (such as structural, functional, and spatial information, amino acid conservation, physicochemical variation, residue mobility, and thermodynamic stability) indicates that this missense variant is not expected to disrupt CSF1R protein function with a negative predictive value of 95%. In summary, the available evidence is currently insufficient to determine the role of this variant in disease. Therefore, it has been classified as a Variant of Uncertain Significance.

Ambry Genetics
Classification: Uncertain significance for Inborn genetic diseases. Last evaluated: 2021-04-22. Review status: criteria provided, single submitter. Criteria: Ambry Variant Classification Scheme 2023. Collection method: clinical testing. Allele origin: germline.

NM_001288705.3(CSF1R):c.668T>C (p.Val223Ala)

Genes: CSF1R (colony stimulating factor 1 receptor; minus strand), LOC111188154 (RORalpha allelically-responsive CSF1R enhancer; plus strand). Cytogenetic location: 5q32.
Variant type: single nucleotide variant.
Coding change: c.668T>C on transcript NM_001288705.3 (MANE Select); coding-DNA position 668, T replaced by C.
Protein change: p.Val223Ala; replaces valine 223 with alanine.
Molecular consequence: missense variant. On other transcripts: non-coding transcript variant (2).
Genome position (GRCh38, 1-based): chr5:150,078,173, A>G on the plus strand (T>C on the coding strand, the complement: CSF1R is on the minus strand). VCF-style: chr5-150078173-A-G. GRCh37 (hg19) VCF-style: chr5-149457736-A-G.
Other names: c.668T>C, p.Val223Ala (NM_001349736.2, NM_001375320.1, NM_005211.4); c.224T>C, p.Val75Ala (NM_001375321.1); short protein forms V223A, V75A.
Identifiers: ClinVar variation 2230219 (VCV002230219.4), dbSNP rs1410185875, ClinGen allele CA361730298.